The following is an entry in ClinVar:

ClinVar aggregate classification (germline): Conflicting classifications of pathogenicity. Review status: criteria provided, conflicting classifications (1 of 4 stars). 7 submissions from 7 submitters: Pathogenic (2); Likely pathogenic (4); Uncertain significance (1). Last evaluated 2026-07-07.

Conditions:
BEST1-related disorder. Also called: BEST1-related condition; BEST1-related disorders. Identifiers: MedGen CN239200.
Stargardt disease (FFM). Also called: Stargardt's disease; Fundus flavimaculatus. Identifiers: Orphanet 827, MedGen C0271093, MONDO:0019353.
Vitelliform macular dystrophy 2. Also called: Best Macular Dystrophy; Best vitelliform macular dystrophy, multifocal; MACULAR DEGENERATION, POLYMORPHIC VITELLINE; Best Vitelliform Macular Dystrophy (BVMD); VITELLIFORM MACULAR DYSTROPHY, EARLY-ONSET; VITELLIFORM MACULAR DYSTROPHY, JUVENILE-ONSET. Identifiers: Orphanet 1243, MedGen C2745945, MONDO:0007931, OMIM 153700.

Submissions (7):

PreventionGenetics, part of Exact Sciences
Classification: Likely pathogenic for BEST1-related condition. Last evaluated: 2026-07-07. Review status: criteria provided, single submitter. Criteria: ACMG Guidelines, 2015. Collection method: clinical testing. Allele origin: germline.
Comment: The BEST1 c.851A>G variant is predicted to result in the amino acid substitution p.Tyr284Cys. This variant has been reported in the heterozygous state in individuals with BEST1-related disease (Table S4, Liu et al. 2020. PubMed ID: 33090715; Garza-Garza et al. 2020. PubMed ID: 32207364; Hoyek et al. 2022. PubMed ID: 35754583; Supplementary Table 1, Wang et al. 2022. PubMed ID: 35973442; zygosity unknown in Cohn et al. 2010. PubMed ID: 21109774). In two families, this variant was inherited from affected or mildly affected parents, suggesting variable expressivity and/or incomplete penetrance, and also identified in an affected sibling (Garza-Garza et al. 2020. PubMed ID: 32207364; Hoyek et al. 2022. PubMed ID: 35754583). This variant is interpreted as likely pathogenic or pathogenic by multiple submitters in ClinVar. This variant has not been reported in a large population database, indicating it is rare. This variant is interpreted as likely pathogenic.

Labcorp Genetics (formerly Invitae), Labcorp
Classification: Pathogenic. Last evaluated: 2025-10-15. Review status: criteria provided, single submitter. Criteria: Invitae Variant Classification Sherloc (09022015). Collection method: clinical testing. Allele origin: germline.
Comment: This sequence change replaces tyrosine, which is neutral and polar, with cysteine, which is neutral and slightly polar, at codon 284 of the BEST1 protein (p.Tyr284Cys). This variant is not present in population databases (gnomAD no frequency). This missense change has been observed in individuals with autosomal dominant BEST1-related conditions (PMID: 21109774, 32207364; internal data). It has also been observed to segregate with disease in related individuals. ClinVar contains an entry for this variant (Variation ID: 166746). Invitae Evidence Modeling of protein sequence and biophysical properties (such as structural, functional, and spatial information, amino acid conservation, physicochemical variation, residue mobility, and thermodynamic stability) indicates that this missense variant is expected to disrupt BEST1 protein function with a positive predictive value of 95%. For these reasons, this variant has been classified as Pathogenic.

GeneDx
Classification: Likely pathogenic. Last evaluated: 2023-09-13. Review status: criteria provided, single submitter. Criteria: GeneDx Variant Classification Process June 2021. Collection method: clinical testing. Allele origin: germline. Affected: yes.
Comment: Not observed at significant frequency in large population cohorts (gnomAD); In silico analysis supports that this missense variant has a deleterious effect on protein structure/function; This variant is associated with the following publications: (PMID: 35754583, 33090715, 21109774, 35973442, 32207364)

Blueprint Genetics
Classification: Pathogenic for BEST1-related disorders. Last evaluated: 2022-03-29. Review status: criteria provided, single submitter. Criteria: ACMG Guidelines, 2015. Collection method: clinical testing. Allele origin: germline. Affected: yes. Observed: 2 variant alleles.

Institute of Human Genetics, University of Leipzig Medical Center
Classification: Likely pathogenic for Vitelliform macular dystrophy 2. Last evaluated: 2019-01-01. Review status: criteria provided, single submitter. Criteria: ACMG Guidelines, 2015. Collection method: clinical testing. Allele origin: unknown. Affected: yes.

Eurofins Ntd Llc (ga)
Classification: Uncertain significance. Last evaluated: 2014-04-16. Review status: criteria provided, single submitter. Criteria: EGL Classification Definitions 2015. Collection method: clinical testing. Allele origin: germline. Observed: 1 variant allele, 1 heterozygote.

Department of Genetics, Fundacion Jimenez Diaz University Hospital
Classification: Likely pathogenic for Stargardt disease. Review status: criteria provided, single submitter. Criteria: ACMG Guidelines, 2015. Collection method: clinical testing. Allele origin: unknown. Affected: yes.
Comment: Variant not found in gnomAD. Same amino acid change previously reported pathogenic (ClinVar: VCV000813024.1, predicted deleterious by in-silico pathogenicity predictors. (ACMG: PS2 Strong; PM2 Moderate; PP3 Supporting)

Literature cited by the submitters: PubMed 21109774 (cited by Labcorp Genetics (formerly Invitae), Labcorp and Eurofins Ntd Llc (ga)); PubMed 32207364 (cited by Labcorp Genetics (formerly Invitae), Labcorp).

NM_004183.4(BEST1):c.851A>G (p.Tyr284Cys)

Gene: BEST1 (bestrophin 1; plus strand). Cytogenetic location: 11q12.3.
Variant type: single nucleotide variant.
Coding change: c.851A>G on transcript NM_004183.4 (MANE Select); coding-DNA position 851, A replaced by G.
Protein change: p.Tyr284Cys; replaces tyrosine 284 with cysteine.
Molecular consequence: missense variant. On other transcripts: non-coding transcript variant (1).
Genome position (GRCh38, 1-based): chr11:61,958,282, A>G. VCF-style: chr11-61958282-A-G. GRCh37 (hg19) VCF-style: chr11-61725754-A-G.
Other names: c.671A>G, p.Tyr224Cys (NM_001139443.3, NM_001300786.2, NM_001300787.2); c.533A>G, p.Tyr178Cys (NM_001363591.3); c.851A>G, p.Tyr284Cys (NM_001363592.2); c.-325A>G (NM_001363593.3); short protein forms Y284C, Y178C, Y224C.
Identifiers: ClinVar variation 166746 (VCV000166746.22), dbSNP rs727503824, ClinGen allele CA233532.